The following is an entry in ClinVar:

NM_004519.4(KCNQ3):c.1970A>G (p.Tyr657Cys)

Gene: KCNQ3 (potassium voltage-gated channel subfamily Q member 3; minus strand). Cytogenetic location: 8q24.22.
Variant type: single nucleotide variant.
Coding change: c.1970A>G on transcript NM_004519.4 (MANE Select); coding-DNA position 1970, A replaced by G.
Protein change: p.Tyr657Cys; replaces tyrosine 657 with cysteine.
Molecular consequence: missense variant.
Genome position (GRCh38, 1-based): chr8:132,129,911, T>C on the plus strand (A>G on the coding strand, the complement: KCNQ3 is on the minus strand). VCF-style: chr8-132129911-T-C. GRCh37 (hg19) VCF-style: chr8-133142158-T-C.
Other names: c.1610A>G, p.Tyr537Cys (NM_001204824.2); short protein forms Y537C, Y657C.
Identifiers: ClinVar variation 2331987 (VCV002331987.4), dbSNP rs752099485, ClinGen allele CA4880527.
Genomic context (GRCh38, chr8:132,129,911, plus strand): 5'-TACCTGTTGTCCTCCTTCTTCTCTGCTTCAGCTGGCGAGGAGGTGCCCTTGGTTGGGTAA[T>C]ACTCCGTGACCTGCACCTGCAACCGTTCCATGTGTTGCATGTGCATATCCACGAGGAAGT-3'
Protein context (NP_004510.1, residues 647-667): MERLQVQVTE[Tyr657Cys]YPTKGTSSPA

ClinVar aggregate classification (germline): Uncertain significance. Review status: criteria provided, multiple submitters, no conflicts (2 of 4 stars). 2 submissions from 2 submitters: Uncertain significance (2). Last evaluated 2025-12-05.

Conditions:
Inborn genetic diseases. Identifiers: MedGen C0950123, MeSH D030342.
Benign neonatal seizures. Also called: Benign neonatal familial convulsions; Convulsions benign familial neonatal dominant form; Autosomal dominant form of benign neonatal seizures; Benign familial neonatal epilepsy; Benign familial neonatal seizures. Identifiers: Orphanet 1949, MedGen C0220669, MONDO:0016027.

Allele frequency attached by ClinVar (database versions not stated): gnomAD exomes below 0.00001; TOPMed below 0.00001; ExAC 0.00001; gnomAD 0.00001.
gnomAD v4.1: 4 of 1,614,026 alleles (0.00025%); highest among the groups gnomAD compares: East Asian, 0.0089%; no homozygotes.

Submissions (2):

Labcorp Genetics (formerly Invitae), Labcorp
Classification: Uncertain significance for Benign neonatal seizures. Last evaluated: 2025-12-05. Review status: criteria provided, single submitter. Criteria: Invitae Variant Classification Sherloc (09022015). Collection method: clinical testing. Allele origin: germline.
Comment: This sequence change replaces tyrosine, which is neutral and polar, with cysteine, which is neutral and slightly polar, at codon 657 of the KCNQ3 protein (p.Tyr657Cys). This variant is present in population databases (rs752099485, gnomAD 0.02%). This variant has not been reported in the literature in individuals affected with KCNQ3-related conditions. ClinVar contains an entry for this variant (Variation ID: 2331987). Invitae Evidence Modeling of protein sequence and biophysical properties (such as structural, functional, and spatial information, amino acid conservation, physicochemical variation, residue mobility, and thermodynamic stability) indicates that this missense variant is not expected to disrupt KCNQ3 protein function with a negative predictive value of 95%. In summary, the available evidence is currently insufficient to determine the role of this variant in disease. Therefore, it has been classified as a Variant of Uncertain Significance.

Ambry Genetics
Classification: Uncertain significance for Inborn genetic diseases. Last evaluated: 2022-12-02. Review status: criteria provided, single submitter. Criteria: Ambry Variant Classification Scheme 2023. Collection method: clinical testing. Allele origin: germline.